The following is an entry in ClinVar:

ClinVar aggregate classification (germline): Uncertain significance. Review status: criteria provided, multiple submitters, no conflicts (2 of 4 stars). 2 submissions from 2 submitters: Uncertain significance (2). Last evaluated 2024-11-11.

Conditions:
Inborn genetic diseases. Identifiers: MedGen C0950123, MeSH D030342.
LAMB2-related infantile-onset nephrotic syndrome. Also called: NEPHROTIC SYNDROME, TYPE 5, WITHOUT OCULAR ABNORMALITIES; NEPHROTIC SYNDROME, TYPE 5, WITH OCULAR ABNORMALITIES; Nephrotic Syndrome, type 5. Identifiers: Orphanet 306507, MedGen C3280113, MONDO:0013621, OMIM 614199.
Pierson syndrome. Also called: MICROCORIA-CONGENITAL NEPHROTIC SYNDROME. Identifiers: Orphanet 2670, MedGen C1836876, MONDO:0012184, OMIM 609049.

Allele frequency attached by ClinVar (database versions not stated): gnomAD 0.00001; ExAC 0.00002; TOPMed 0.00002; ESP Exome Variant Server 0.00008.

Submissions (2):

Ambry Genetics
Classification: Uncertain significance for Inborn genetic diseases. Last evaluated: 2024-11-11. Review status: criteria provided, single submitter. Criteria: Ambry Variant Classification Scheme 2023. Collection method: clinical testing. Allele origin: germline.

Labcorp Genetics (formerly Invitae), Labcorp
Classification: Uncertain significance for LAMB2-related infantile-onset nephrotic syndrome; Pierson syndrome. Last evaluated: 2022-07-18. Review status: criteria provided, single submitter. Criteria: Invitae Variant Classification Sherloc (09022015). Collection method: clinical testing. Allele origin: germline.
Comment: This sequence change replaces arginine, which is basic and polar, with histidine, which is basic and polar, at codon 746 of the LAMB2 protein (p.Arg746His). This variant is present in population databases (rs141407145, gnomAD 0.01%). This variant has not been reported in the literature in individuals affected with LAMB2-related conditions. ClinVar contains an entry for this variant (Variation ID: 846077). Algorithms developed to predict the effect of missense changes on protein structure and function output the following: SIFT: "Tolerated"; PolyPhen-2: "Benign"; Align-GVGD: "Class C0". The histidine amino acid residue is found in multiple mammalian species, which suggests that this missense change does not adversely affect protein function. In summary, the available evidence is currently insufficient to determine the role of this variant in disease. Therefore, it has been classified as a Variant of Uncertain Significance.

NM_002292.4(LAMB2):c.2237G>A (p.Arg746His)

Gene: LAMB2 (laminin subunit beta 2; minus strand). Cytogenetic location: 3p21.31.
Variant type: single nucleotide variant.
Coding change: c.2237G>A on transcript NM_002292.4 (MANE Select); coding-DNA position 2237, G replaced by A.
Protein change: p.Arg746His; replaces arginine 746 with histidine.
Molecular consequence: missense variant.
Genome position (GRCh38, 1-based): chr3:49,126,074, C>T on the plus strand (G>A on the coding strand, the complement: LAMB2 is on the minus strand). VCF-style: chr3-49126074-C-T. GRCh37 (hg19) VCF-style: chr3-49163507-C-T.
Other names: short protein forms R746H.
Identifiers: ClinVar variation 846077 (VCV000846077.5), dbSNP rs141407145, ClinGen allele CA2394351.
Genomic context (GRCh38, chr3:49,126,074, plus strand): 5'-GCGCAGGCCTCAGAGGGAGAAGTCTTGCTGGGCACCAGACCCTCCTCATGGCATTGGTAG[C>T]GTTCAAAGGTGGCCTGGCGCTCCAGGGCAGCAGCATCACCCCCACTAAACATCTCTAGCA-3'
Protein context (NP_002283.3, residues 736-756): AALERQATFE[Arg746His]YQCHEEGLVP